The following is an entry in ClinVar:

ClinVar aggregate classification (germline): Uncertain significance (1 of 4 stars; one submission).

Submission:

GeneDx
Classification: Uncertain significance. Last evaluated: 2024-03-13. Review status: criteria provided, single submitter. Criteria: GeneDx Variant Classification Process June 2021. Collection method: clinical testing. Allele origin: germline. Affected: yes.
Comment: Not observed at significant frequency in large population cohorts (gnomAD); In-silico analysis is inconclusive as to whether the variant impacts protein structure/function. In the absence of functional studies, the actual effect of this sequence change is unknown; Has not been previously published as pathogenic or benign to our knowledge

NM_019066.5(MAGEL2):c.507G>A (p.Met169Ile)

Gene: MAGEL2 (MAGE family member L2; minus strand). Cytogenetic location: 15q11.2.
Variant type: single nucleotide variant.
Coding change: c.507G>A on transcript NM_019066.5 (MANE Select); coding-DNA position 507, G replaced by A.
Protein change: p.Met169Ile; replaces methionine 169 with isoleucine.
Molecular consequence: missense variant.
Genome position (GRCh38, 1-based): chr15:23,647,236, C>T on the plus strand (G>A on the coding strand, the complement: MAGEL2 is on the minus strand). VCF-style: chr15-23647236-C-T. GRCh37 (hg19) VCF-style: chr15-23892383-C-T.
Other names: short protein forms M169I.
Identifiers: ClinVar variation 3370998 (VCV003370998.1).
Genomic context (GRCh38, chr15:23,647,236, plus strand): 5'-CATCGGGGTCCCCGGAGGAGGAGGATGCACCATCGGGGTCCCCGGAGGAGGAGGATGGGC[C>T]ATCGGGGTCCCCGGAGGAGGAGGATGGGCCATTGGGGTCCCCGGAGGGGGAGGGTGGGAC-3'
Protein context (NP_061939.3, residues 159-179): MAHPPPPGTP[Met169Ile]AHPPPPGTPM